The following is an entry in ClinVar:

NC_000015.9:g.(?_44862703)_(44862876_?)del

Gene: SPG11 (SPG11 vesicle trafficking associated, spatacsin; minus strand). Cytogenetic location: 15q21.1.
Variant type: Deletion.
Identifiers: ClinVar variation 1075919 (VCV001075919.8).

ClinVar aggregate classification (germline): Pathogenic (1 of 4 stars; one submission).

Conditions:
Hereditary spastic paraplegia 11. Also called: SPASTIC PARAPLEGIA, AUTOSOMAL RECESSIVE, COMPLICATED, WITH THIN CORPUS CALLOSUM; SPASTIC PARAPLEGIA, AUTOSOMAL RECESSIVE, WITH MENTAL IMPAIRMENT AND THIN CORPUS CALLOSUM; Nakamura Osame syndrome; Autosomal recessive hereditary spastic paraplegia, mental impairment, and thin corpus callosum; Spastic paraplegia, mental retardation and thin corpus callosum; Spastic Paraplegia 11. Identifiers: Orphanet 2822, MedGen C1858479, MONDO:0011445, OMIM 604360.

Submission:

Labcorp Genetics (formerly Invitae), Labcorp
Classification: Pathogenic for Hereditary spastic paraplegia 11. Last evaluated: 2023-02-18. Review status: criteria provided, single submitter. Criteria: Invitae Variant Classification Sherloc (09022015). Collection method: clinical testing. Allele origin: germline.
Comment: For these reasons, this variant has been classified as Pathogenic. This variant has not been reported in the literature in individuals affected with SPG11-related conditions. This variant is a gross deletion of the genomic region encompassing exon(s) 34 of the SPG11 gene. This deletion is out-of-frame, and is expected to create a premature termination codon and result in an absent or disrupted protein product. Loss-of-function variants in SPG11 are known to be pathogenic (PMID: 19105190, 20110243, 22154821, 26556829).

Literature cited by the submitters: PubMed 19105190; PubMed 20110243; PubMed 22154821; PubMed 26556829.